The following is an entry in ClinVar:

NM_000051.4(ATM):c.3406del (p.His1136fs)

Gene: ATM (ATM serine/threonine kinase; plus strand). Cytogenetic location: 11q22.3.
Variant type: Deletion.
Coding change: c.3406del on transcript NM_000051.4 (MANE Select); coding-DNA position 3406, one base deleted (C; older notation c.3406delC).
Protein change: p.His1136fs; shifts the reading frame from histidine 1136.
Molecular consequence: frameshift variant.
Genome position (GRCh38, 1-based): chr11:108,280,998, C deleted; the last of 3 consecutive C bases (chr11:108,280,996-108,280,998); deleting any one gives the same sequence. VCF-style (leftmost placement, unchanged base first): chr11-108280995-TC-T. GRCh37 (hg19) VCF-style: chr11-108151722-TC-T.
Other names: c.3406del, p.His1136fs (NM_001351834.2); short protein forms H1136fs.
Identifiers: ClinVar variation 3254104 (VCV003254104.2), dbSNP rs2546869090.

ClinVar aggregate classification (germline): Pathogenic. Review status: criteria provided, multiple submitters, no conflicts (2 of 4 stars). 2 submissions from 2 submitters: Pathogenic (2). Last evaluated 2024-12-04.

Conditions:
Familial cancer of breast. Also called: BREAST CANCER, FAMILIAL; Hereditary breast cancer; hereditary breast carcinoma. Identifiers: Orphanet 227535, MedGen C0346153, MONDO:0016419, OMIM 114480. Disease mechanism: loss of function.
Hereditary cancer-predisposing syndrome. Also called: Hereditary Cancer Syndrome; Tumor predisposition; Hereditary neoplastic syndrome; Neoplastic Syndromes, Hereditary. Identifiers: Orphanet 140162, MedGen C0027672, MeSH D009386, MONDO:0015356.

Submissions (2):

Ambry Genetics
Classification: Pathogenic for Hereditary cancer-predisposing syndrome. Last evaluated: 2024-12-04. Review status: criteria provided, single submitter. Criteria: Ambry Variant Classification Scheme 2023. Collection method: clinical testing. Allele origin: germline.
Comment: The c.3406delC pathogenic mutation, located in coding exon 23 of the ATM gene, results from a deletion of one nucleotide at nucleotide position 3406, causing a translational frameshift with a predicted alternate stop codon (p.H1136Ifs*20). This variant is considered to be rare based on population cohorts in the Genome Aggregation Database (gnomAD). This alteration is expected to result in loss of function by premature protein truncation or nonsense-mediated mRNA decay. As such, this alteration is interpreted as a disease-causing mutation.

Myriad Genetics, Inc.
Classification: Pathogenic for Familial cancer of breast. Last evaluated: 2024-06-24. Review status: criteria provided, single submitter. Criteria: Myriad Autosomal Dominant, Autosomal Recessive and X-Linked Classification Criteria (2023). Collection method: clinical testing. Allele origin: unknown.
Comment: This variant is considered pathogenic. This variant creates a frameshift predicted to result in premature protein truncation.